The following is an entry in ClinVar:

NM_021098.3(CACNA1H):c.4350+3G>A

Gene: CACNA1H (calcium voltage-gated channel subunit alpha1 H; plus strand). Cytogenetic location: 16p13.3.
Variant type: single nucleotide variant.
Coding change: c.4350+3G>A on transcript NM_021098.3 (MANE Select); 3 bases into the intron after coding-DNA position 4350, G replaced by A.
Molecular consequence: intron variant.
Genome position (GRCh38, 1-based): chr16:1,211,297, G>A. VCF-style: chr16-1211297-G-A. GRCh37 (hg19) VCF-style: chr16-1261297-G-A.
Other names: c.4350+3G>A (NM_001005407.2).
Identifiers: ClinVar variation 1025651 (VCV001025651.6), dbSNP rs1969415717, ClinGen allele CA973689875.

ClinVar aggregate classification (germline): Uncertain significance (1 of 4 stars; one submission).

Conditions:
Hyperaldosteronism, familial, type IV (HALD4). Also called: FH IV; ALDOSTERONISM, PRIMARY, AND HYPERTENSION. Identifiers: Orphanet 642671, MedGen C4310756, MONDO:0014875, OMIM 617027.
Idiopathic generalized epilepsy. Also called: Generalised epilepsy; EIG. Identifiers: MedGen C0270850, MONDO:0005579, OMIM 600669.

Allele frequency attached by ClinVar (database versions not stated): TOPMed below 0.00001; gnomAD 0.00001.
gnomAD v4.1: 2 of 1,612,908 alleles (0.00012%); highest among the groups gnomAD compares: Non-Finnish European, 0.00017%; no homozygotes.

Submission:

Labcorp Genetics (formerly Invitae), Labcorp
Classification: Uncertain significance for Idiopathic generalized epilepsy; Hyperaldosteronism, familial, type IV. Last evaluated: 2020-01-29. Review status: criteria provided, single submitter. Criteria: Invitae Variant Classification Sherloc (09022015). Collection method: clinical testing. Allele origin: germline.
Comment: This sequence change falls in intron 22 of the CACNA1H gene. It does not directly change the encoded amino acid sequence of the CACNA1H protein, but it affects a nucleotide within the consensus splice site of the intron. In summary, the available evidence is currently insufficient to determine the role of this variant in disease. Therefore, it has been classified as a Variant of Uncertain Significance. Nucleotide substitutions within the consensus splice site are a relatively common cause of aberrant splicing (PMID: 17576681, 9536098). This variant has not been reported in the literature in individuals with CACNA1H-related conditions. This variant is not present in population databases (ExAC no frequency).

Literature cited by the submitters: PubMed 17576681; PubMed 9536098.